The following is an entry in ClinVar:

NM_001009944.3(PKD1):c.6152G>C (p.Arg2051Pro)

Gene: PKD1 (polycystin 1, transient receptor potential channel interacting; minus strand). Cytogenetic location: 16p13.3.
Variant type: single nucleotide variant.
Coding change: c.6152G>C on transcript NM_001009944.3 (MANE Select); coding-DNA position 6152, G replaced by C.
Protein change: p.Arg2051Pro; replaces arginine 2051 with proline.
Molecular consequence: missense variant.
Genome position (GRCh38, 1-based): chr16:2,109,015, C>G on the plus strand (G>C on the coding strand, the complement: PKD1 is on the minus strand). VCF-style: chr16-2109015-C-G. GRCh37 (hg19) VCF-style: chr16-2159016-C-G.
Other names: c.6152G>C, p.Arg2051Pro (NM_000296.4); short protein forms R2051P.
Identifiers: ClinVar variation 4975042 (VCV004975042.1).

ClinVar aggregate classification (germline): Uncertain significance (1 of 4 stars; one submission).

gnomAD v4.1: 1 of 1,610,342 alleles (0.000062%); highest among the groups gnomAD compares: Non-Finnish European, 0.000085%; no homozygotes.

Submission:

GeneDx
Classification: Uncertain significance. Last evaluated: 2026-01-28. Review status: criteria provided, single submitter. Criteria: GeneDx Variant Classification Process June 2021. Collection method: clinical testing. Allele origin: germline.
Comment: Not observed at significant frequency in large population cohorts (gnomAD); In silico analysis suggests that this missense variant does not alter protein structure/function; This variant is associated with the following publications: (PMID: 24009235)